The following is an entry in ClinVar:

ClinVar aggregate classification (germline): Uncertain significance (1 of 4 stars; one submission).

Submission:

Ambry Genetics
Classification: Uncertain significance. Last evaluated: 2022-05-26. Review status: criteria provided, single submitter. Criteria: Ambry Variant Classification Scheme 2023. Collection method: clinical testing. Allele origin: germline.
Comment: The p.G635C variant (also known as c.1903G>T), located in coding exon 14 of the RECQL gene, results from a G to T substitution at nucleotide position 1903. The glycine at codon 635 is replaced by cysteine, an amino acid with highly dissimilar properties. This amino acid position is conserved. In addition, this alteration is predicted to be tolerated by in silico analysis. Since supporting evidence is limited at this time, the clinical significance of this alteration remains unclear.

NM_002907.4(RECQL):c.1903G>T (p.Gly635Cys)

Genes: PYROXD1 (pyridine nucleotide-disulphide oxidoreductase domain 1; plus strand), RECQL (RecQ like helicase; minus strand). Cytogenetic location: 12p12.1.
Variant type: single nucleotide variant.
Coding change: c.1903G>T on transcript NM_002907.4 (MANE Select); coding-DNA position 1903, G replaced by T.
Protein change: p.Gly635Cys; replaces glycine 635 with cysteine.
Molecular consequence: missense variant. On other transcripts: 3 prime UTR variant (3).
Genome position (GRCh38, 1-based): chr12:21,470,241, C>A on the plus strand (G>T on the coding strand, the complement: RECQL is on the minus strand). VCF-style: chr12-21470241-C-A. GRCh37 (hg19) VCF-style: chr12-21623175-C-A.
Other names: c.1903G>T, p.Gly635Cys (NM_032941.3); c.*1487C>A (NM_001350912.2, NM_001350913.2, NM_024854.5); short protein forms G635C.
Identifiers: ClinVar variation 1782351 (VCV001782351.2), dbSNP rs2540304614, ClinGen allele CA384113593.